The following is an entry in ClinVar:

NM_001040108.2(MLH3):c.308T>C (p.Met103Thr)

Gene: MLH3 (mutL homolog 3; minus strand). Cytogenetic location: 14q24.3.
Variant type: single nucleotide variant.
Coding change: c.308T>C on transcript NM_001040108.2 (MANE Select); coding-DNA position 308, T replaced by C.
Protein change: p.Met103Thr; replaces methionine 103 with threonine.
Molecular consequence: missense variant.
Genome position (GRCh38, 1-based): chr14:75,049,348, A>G on the plus strand (T>C on the coding strand, the complement: MLH3 is on the minus strand). VCF-style: chr14-75049348-A-G. GRCh37 (hg19) VCF-style: chr14-75516051-A-G.
Other names: c.308T>C, p.Met103Thr (NM_014381.3); short protein forms M103T.
Identifiers: ClinVar variation 3232519 (VCV003232519.1), dbSNP rs1406821612, ClinGen allele CA390451037.

ClinVar aggregate classification (germline): Uncertain significance (1 of 4 stars; one submission).

Allele frequency attached by ClinVar (database versions not stated): gnomAD exomes below 0.00001.

Submission:

Ambry Genetics
Classification: Uncertain significance. Last evaluated: 2023-10-16. Review status: criteria provided, single submitter. Criteria: Ambry Variant Classification Scheme 2023. Collection method: clinical testing. Allele origin: germline.
Comment: The p.M103T variant (also known as c.308T>C), located in coding exon 1 of the MLH3 gene, results from a T to C substitution at nucleotide position 308. The methionine at codon 103 is replaced by threonine, an amino acid with similar properties. This amino acid position is conserved. In addition, the in silico prediction for this alteration is inconclusive. Since supporting evidence is limited at this time, the clinical significance of this alteration remains unclear.